The following is an entry in ClinVar:

ClinVar aggregate classification (germline): Uncertain significance (1 of 4 stars; one submission).

Conditions:
Brown-Vialetto-van Laere syndrome 2. Also called: SPINOCEREBELLAR ATAXIA WITH BLINDNESS AND DEAFNESS 2; Riboflavin transporter deficiency type 2. Identifiers: Orphanet 572543, Orphanet 97229, MedGen C3553538, MONDO:0013867, OMIM 614707.

Allele frequency attached by ClinVar (database versions not stated): gnomAD exomes below 0.00001.
gnomAD v4.1: 1 of 1,612,560 alleles (0.000062%); highest among the groups gnomAD compares: Non-Finnish European, 0.000085%; no homozygotes.

Submission:

Labcorp Genetics (formerly Invitae), Labcorp
Classification: Uncertain significance for Brown-Vialetto-van Laere syndrome 2. Last evaluated: 2022-05-30. Review status: criteria provided, single submitter. Criteria: Invitae Variant Classification Sherloc (09022015). Collection method: clinical testing. Allele origin: germline.
Comment: This variant has not been reported in the literature in individuals affected with SLC52A2-related conditions. This sequence change replaces proline, which is neutral and non-polar, with leucine, which is neutral and non-polar, at codon 253 of the SLC52A2 protein (p.Pro253Leu). This variant is not present in population databases (gnomAD no frequency). ClinVar contains an entry for this variant (Variation ID: 1374385). Advanced modeling of protein sequence and biophysical properties (such as structural, functional, and spatial information, amino acid conservation, physicochemical variation, residue mobility, and thermodynamic stability) performed at Invitae indicates that this missense variant is not expected to disrupt SLC52A2 protein function. In summary, the available evidence is currently insufficient to determine the role of this variant in disease. Therefore, it has been classified as a Variant of Uncertain Significance.

NM_001363118.2(SLC52A2):c.758C>T (p.Pro253Leu)

Gene: SLC52A2 (solute carrier family 52 member 2; plus strand). Cytogenetic location: 8q24.3.
Variant type: single nucleotide variant.
Coding change: c.758C>T on transcript NM_001363118.2 (MANE Select); coding-DNA position 758, C replaced by T.
Protein change: p.Pro253Leu; replaces proline 253 with leucine.
Molecular consequence: missense variant. On other transcripts: non-coding transcript variant (1).
Genome position (GRCh38, 1-based): chr8:144,360,250, C>T. VCF-style: chr8-144360250-C-T. GRCh37 (hg19) VCF-style: chr8-145583910-C-T.
Other names: c.758C>T, p.Pro253Leu (NM_001253815.2, NM_001253816.2, NM_001363120.2 and 2 more transcripts); c.266C>T, p.Pro89Leu (NM_001363122.2); short protein forms P89L, P253L.
Identifiers: ClinVar variation 1374385 (VCV001374385.6), dbSNP rs2130644912, ClinGen allele CA372627841.